The following is an entry in ClinVar:

ClinVar aggregate classification (germline): Uncertain significance. Review status: criteria provided, multiple submitters, no conflicts (2 of 4 stars). 2 submissions from 2 submitters: Uncertain significance (2). Last evaluated 2026-01-25.

Conditions:
Bethlem myopathy 1A. Also called: MYOPATHY, BENIGN CONGENITAL, WITH CONTRACTURES; Bethlem myopathy 1; Bethlem Muscular Dystrophy. Identifiers: Orphanet 610, MedGen CN029274, MONDO:0024530, OMIM 158810.

Allele frequency attached by ClinVar (database versions not stated): gnomAD exomes below 0.00001; TOPMed below 0.00001; gnomAD 0.00001.
gnomAD v4.1: 5 of 1,613,444 alleles (0.00031%); highest among the groups gnomAD compares: Non-Finnish European, 0.00042%; no homozygotes.

Submissions (2):

Labcorp Genetics (formerly Invitae), Labcorp
Classification: Uncertain significance for Bethlem myopathy 1A. Last evaluated: 2026-01-25. Review status: criteria provided, single submitter. Criteria: Invitae Variant Classification Sherloc (09022015). Collection method: clinical testing. Allele origin: germline.
Comment: This sequence change replaces lysine, which is basic and polar, with glutamine, which is neutral and polar, at codon 803 of the COL6A1 protein (p.Lys803Gln). This variant is not present in population databases (gnomAD no frequency). This variant has not been reported in the literature in individuals affected with COL6A1-related conditions. ClinVar contains an entry for this variant (Variation ID: 2982499). Invitae Evidence Modeling of protein sequence and biophysical properties (such as structural, functional, and spatial information, amino acid conservation, physicochemical variation, residue mobility, and thermodynamic stability) indicates that this missense variant is not expected to disrupt COL6A1 protein function with a negative predictive value of 95%. In summary, the available evidence is currently insufficient to determine the role of this variant in disease. Therefore, it has been classified as a Variant of Uncertain Significance.

GeneDx
Classification: Uncertain significance. Last evaluated: 2024-08-07. Review status: criteria provided, single submitter. Criteria: GeneDx Variant Classification Process June 2021. Collection method: clinical testing. Allele origin: germline. Affected: yes.
Comment: Not observed at significant frequency in large population cohorts (gnomAD); In silico analysis indicates that this missense variant does not alter protein structure/function; Has not been previously published as pathogenic or benign to our knowledge

NM_001848.3(COL6A1):c.2407A>C (p.Lys803Gln)

Gene: COL6A1 (collagen type VI alpha 1 chain; plus strand). Cytogenetic location: 21q22.3.
Variant type: single nucleotide variant.
Coding change: c.2407A>C on transcript NM_001848.3 (MANE Select); coding-DNA position 2407, A replaced by C.
Protein change: p.Lys803Gln; replaces lysine 803 with glutamine.
Molecular consequence: missense variant.
Genome position (GRCh38, 1-based): chr21:46,002,683, A>C. VCF-style: chr21-46002683-A-C. GRCh37 (hg19) VCF-style: chr21-47422597-A-C.
Other names: short protein forms K803Q.
Identifiers: ClinVar variation 2982499 (VCV002982499.4), dbSNP rs2077854188, ClinGen allele CA410536992.